The following is an entry in ClinVar:

NM_001029883.3(PCARE):c.429C>T (p.Ser143=)

Gene: PCARE (photoreceptor cilium actin regulator; minus strand). Cytogenetic location: 2p23.2.
Variant type: single nucleotide variant.
Coding change: c.429C>T on transcript NM_001029883.3 (MANE Select); coding-DNA position 429, C replaced by T.
Protein change: p.Ser143=; no amino-acid change (serine 143 retained).
Molecular consequence: synonymous variant.
Genome position (GRCh38, 1-based): chr2:29,073,833, G>A on the plus strand (C>T on the coding strand, the complement: PCARE is on the minus strand). VCF-style: chr2-29073833-G-A. GRCh37 (hg19) VCF-style: chr2-29296699-G-A.
Other names: c.429C>T (NM_001029883.2).
Identifiers: ClinVar variation 3012070 (VCV003012070.4), dbSNP rs370544593, ClinGen allele CA44644085.

ClinVar aggregate classification (germline): Likely benign. Review status: criteria provided, multiple submitters, no conflicts (2 of 4 stars). 2 submissions from 2 submitters: Likely benign (2). Last evaluated 2025-09-10.

Conditions:
PCARE-related disorder. Also called: PCARE-related condition.

Allele frequency attached by ClinVar (database versions not stated): gnomAD exomes 0.00002; gnomAD 0.00003; TOPMed 0.00006; ESP Exome Variant Server 0.00008.
gnomAD v4.1: 38 of 1,614,076 alleles (0.0024%); highest among the groups gnomAD compares: Non-Finnish European, 0.0031%; no homozygotes.

Submissions (2):

Labcorp Genetics (formerly Invitae), Labcorp
Classification: Likely benign. Last evaluated: 2025-09-10. Review status: criteria provided, single submitter. Criteria: Invitae Variant Classification Sherloc (09022015). Collection method: clinical testing. Allele origin: germline.

PreventionGenetics, part of Exact Sciences
Classification: Likely benign for PCARE-related condition. Last evaluated: 2025-04-29. Review status: criteria provided, single submitter. Criteria: ACMG Guidelines, 2015. Collection method: clinical testing. Allele origin: germline.
Comment: This variant is classified as likely benign based on ACMG/AMP sequence variant interpretation guidelines (Richards et al. 2015 PMID: 25741868, with internal and published modifications).